The following is an entry in ClinVar:

ClinVar aggregate classification (germline): Uncertain significance (1 of 4 stars; one submission).

Conditions:
Myofibrillar myopathy 6. Identifiers: Orphanet 199340, MedGen C2751831, MONDO:0013061, OMIM 612954.
Dilated cardiomyopathy 1HH (CMD1HH). Identifiers: Orphanet 154, MedGen C3151293, MONDO:0013479, OMIM 613881.

Allele frequency attached by ClinVar (database versions not stated): gnomAD exomes below 0.00001; gnomAD 0.00001; TOPMed 0.00001.

Submission:

Labcorp Genetics (formerly Invitae), Labcorp
Classification: Uncertain significance for Dilated cardiomyopathy 1HH; Myofibrillar myopathy 6. Last evaluated: 2020-02-24. Review status: criteria provided, single submitter. Criteria: Invitae Variant Classification Sherloc (09022015). Collection method: clinical testing. Allele origin: germline.
Comment: This sequence change replaces proline with serine at codon 280 of the BAG3 protein (p.Pro280Ser). The proline residue is highly conserved and there is a moderate physicochemical difference between proline and serine. This variant is not present in population databases (ExAC no frequency). This variant has not been reported in the literature in individuals with BAG3-related conditions. Algorithms developed to predict the effect of missense changes on protein structure and function are either unavailable or do not agree on the potential impact of this missense change (SIFT: "Tolerated"; PolyPhen-2: "Probably Damaging"; Align-GVGD: "Class C0"). In summary, the available evidence is currently insufficient to determine the role of this variant in disease. Therefore, it has been classified as a Variant of Uncertain Significance.

NM_004281.4(BAG3):c.838C>T (p.Pro280Ser)

Gene: BAG3 (BAG cochaperone 3; plus strand). Cytogenetic location: 10q26.11.
Variant type: single nucleotide variant.
Coding change: c.838C>T on transcript NM_004281.4 (MANE Select); coding-DNA position 838, C replaced by T.
Protein change: p.Pro280Ser; replaces proline 280 with serine.
Molecular consequence: missense variant.
Genome position (GRCh38, 1-based): chr10:119,672,585, C>T. VCF-style: chr10-119672585-C-T. GRCh37 (hg19) VCF-style: chr10-121432097-C-T.
Other names: short protein forms P280S.
Identifiers: ClinVar variation 1058315 (VCV001058315.9), dbSNP rs1210697765, ClinGen allele CA378295899.
Genomic context (GRCh38, chr10:119,672,585, plus strand): 5'-CTGCGGGCGGCATCCCCGTTCAGGTCATCTGTCCAGGGTGCATCGAGCCGGGAGGGCTCA[C>T]CAGCCAGGAGCAGCACGCCACTCCACTCCCCCTCGCCCATCCGTGTGCACACCGTGGTCG-3'
Protein context (NP_004272.2, residues 270-290): VQGASSREGS[Pro280Ser]ARSSTPLHSP